The following is an entry in ClinVar:

ClinVar aggregate classification (germline): Likely pathogenic (1 of 4 stars; one submission).

Submission:

Labcorp Genetics (formerly Invitae), Labcorp
Classification: Likely pathogenic. Last evaluated: 2017-09-29. Review status: criteria provided, single submitter. Criteria: Invitae Variant Classification Sherloc (09022015). Collection method: clinical testing. Allele origin: germline.
Comment: This sequence change affects an acceptor splice site in intron 10 of the CDAN1 gene. It is expected to disrupt RNA splicing and likely results in an absent or disrupted protein product. This variant is not present in population databases (ExAC no frequency). This variant has not been reported in the literature in individuals with CDAN1-related disease. Donor and acceptor splice site variants typically lead to a loss of protein function (PMID: 16199547), and loss-of-function variants in CDAN1 are known to be pathogenic (PMID: 16098079, 16141353). In summary, the currently available evidence indicates that the variant is pathogenic, but additional data are needed to prove that conclusively. Therefore, this variant has been classified as Likely Pathogenic.

Literature cited by the submitters: PubMed 16199547; PubMed 16098079; PubMed 16141353.

NM_138477.4(CDAN1):c.1534-1G>C

Gene: CDAN1 (codanin 1; minus strand). Cytogenetic location: 15q15.2.
Variant type: single nucleotide variant.
Coding change: c.1534-1G>C on transcript NM_138477.4 (MANE Select); the canonical splice acceptor site of the intron before coding-DNA position 1534, G replaced by C.
Molecular consequence: splice acceptor variant.
Genome position (GRCh38, 1-based): chr15:42,731,826, C>G on the plus strand (G>C on the coding strand, the complement: CDAN1 is on the minus strand). VCF-style: chr15-42731826-C-G. GRCh37 (hg19) VCF-style: chr15-43024024-C-G.
Identifiers: ClinVar variation 1067614 (VCV001067614.2), dbSNP rs2140490467, ClinGen allele CA392047062.